The following is an entry in ClinVar:

NM_181458.4(PAX3):c.586G>A (p.Ala196Thr)

Gene: PAX3 (paired box 3; minus strand). Cytogenetic location: 2q36.1.
Variant type: single nucleotide variant.
Coding change: c.586G>A on transcript NM_181458.4 (MANE Select); coding-DNA position 586, G replaced by A.
Protein change: p.Ala196Thr; replaces alanine 196 with threonine.
Molecular consequence: missense variant.
Genome position (GRCh38, 1-based): chr2:222,294,167, C>T on the plus strand (G>A on the coding strand, the complement: PAX3 is on the minus strand). VCF-style: chr2-222294167-C-T. GRCh37 (hg19) VCF-style: chr2-223158886-C-T.
Other names: c.586G>A, p.Gly196Ser (NM_000438.6); c.583G>A, p.Ala195Thr (NM_001127366.3); c.586G>A, p.Gly196Arg (NM_013942.5); c.586G>A, p.Ala196Thr (NM_181457.4, NM_181459.4, NM_181460.4 and 1 more transcripts); short protein forms A195T, A196T, G196R, G196S.
Identifiers: ClinVar variation 2499802 (VCV002499802.1), dbSNP rs2469471076, ClinGen allele CA351112463.

ClinVar aggregate classification (germline): Likely pathogenic (1 of 4 stars; one submission).

Submission:

GeneDx
Classification: Likely pathogenic. Last evaluated: 2022-10-28. Review status: criteria provided, single submitter. Criteria: GeneDx Variant Classification Process June 2021. Collection method: clinical testing. Allele origin: germline. Affected: yes.
Comment: Not observed at significant frequency in large population cohorts (gnomAD); In silico analysis supports that this missense variant does not alter protein structure/function; This variant is associated with the following publications: (PMID: 9541113, 18325909, 8589691, 20127975, 30936914, 12949970, 9279758)